The following is an entry in ClinVar:

NM_006231.4(POLE):c.5966C>T (p.Ala1989Val)

Gene: POLE (DNA polymerase epsilon, catalytic subunit; minus strand). Cytogenetic location: 12q24.33.
Variant type: single nucleotide variant.
Coding change: c.5966C>T on transcript NM_006231.4 (MANE Select); coding-DNA position 5966, C replaced by T.
Protein change: p.Ala1989Val; replaces alanine 1989 with valine.
Molecular consequence: missense variant.
Genome position (GRCh38, 1-based): chr12:132,634,224, G>A on the plus strand (C>T on the coding strand, the complement: POLE is on the minus strand). VCF-style: chr12-132634224-G-A. GRCh37 (hg19) VCF-style: chr12-133210810-G-A.
Other names: c.5966C>T (NM_006231.2); short protein forms A1989V.
Identifiers: ClinVar variation 2092885 (VCV002092885.5), dbSNP rs745501021, ClinGen allele CA387371483.

ClinVar aggregate classification (germline): Uncertain significance. Review status: criteria provided, multiple submitters, no conflicts (2 of 4 stars). 2 submissions from 2 submitters: Uncertain significance (2). Last evaluated 2025-10-07.

Conditions:
Hereditary cancer-predisposing syndrome. Also called: Tumor predisposition; Hereditary Cancer Syndrome; Hereditary neoplastic syndrome; Neoplastic Syndromes, Hereditary. Identifiers: Orphanet 140162, MedGen C0027672, MeSH D009386, MONDO:0015356.

Submissions (2):

Labcorp Genetics (formerly Invitae), Labcorp
Classification: Uncertain significance. Last evaluated: 2025-10-07. Review status: criteria provided, single submitter. Criteria: Invitae Variant Classification Sherloc (09022015). Collection method: clinical testing. Allele origin: germline.
Comment: This sequence change replaces alanine, which is neutral and non-polar, with valine, which is neutral and non-polar, at codon 1989 of the POLE protein (p.Ala1989Val). This variant is not present in population databases (gnomAD no frequency). This variant has not been reported in the literature in individuals affected with POLE-related conditions. ClinVar contains an entry for this variant (Variation ID: 2092885). Invitae Evidence Modeling of protein sequence and biophysical properties (such as structural, functional, and spatial information, amino acid conservation, physicochemical variation, residue mobility, and thermodynamic stability) indicates that this missense variant is not expected to disrupt POLE protein function with a negative predictive value of 80%. In summary, the available evidence is currently insufficient to determine the role of this variant in disease. Therefore, it has been classified as a Variant of Uncertain Significance.

Ambry Genetics
Classification: Uncertain significance for Hereditary cancer-predisposing syndrome. Last evaluated: 2024-08-12. Review status: criteria provided, single submitter. Criteria: Ambry Variant Classification Scheme 2023. Collection method: clinical testing. Allele origin: germline.
Comment: The p.A1989V variant (also known as c.5966C>T), located in coding exon 43 of the POLE gene, results from a C to T substitution at nucleotide position 5966. The alanine at codon 1989 is replaced by valine, an amino acid with similar properties. This amino acid position is conserved. In addition, this alteration is predicted to be tolerated by in silico analysis. Based on the available evidence, the clinical significance of this variant remains unclear.